The following is an entry in ClinVar:

NM_000937.5(POLR2A):c.2317G>A (p.Gly773Arg)

Gene: POLR2A (RNA polymerase II subunit A; plus strand). Cytogenetic location: 17p13.1.
Variant type: single nucleotide variant.
Coding change: c.2317G>A on transcript NM_000937.5 (MANE Select); coding-DNA position 2317, G replaced by A.
Protein change: p.Gly773Arg; replaces glycine 773 with arginine.
Molecular consequence: missense variant.
Genome position (GRCh38, 1-based): chr17:7,501,697, G>A. VCF-style: chr17-7501697-G-A. GRCh37 (hg19) VCF-style: chr17-7405016-G-A.
Other names: short protein forms G773R.
Identifiers: ClinVar variation 3233554 (VCV003233554.3), dbSNP rs2508137013, ClinGen allele CA397887072.

ClinVar aggregate classification (germline): Uncertain significance (1 of 4 stars; one submission).

Submission:

Women's Health and Genetics/Laboratory Corporation of America, LabCorp
Classification: Uncertain significance. Last evaluated: 2026-04-24. Review status: criteria provided, single submitter. Criteria: LabCorp Variant Classification Summary - May 2015. Collection method: clinical testing. Allele origin: germline.
Comment: Variant summary: POLR2A c.2317G>A (p.Gly773Arg) results in a non-conservative amino acid change located in the RNA polymerase Rpb1, domain 4 (IPR007083) of the encoded protein sequence. Algorithms developed to predict the effect of missense changes on protein structure and function all suggest that this variant is likely to be disruptive. The variant was absent in 251366 control chromosomes. The available data on variant occurrences in the general population are insufficient to allow any conclusion about variant significance. To our knowledge, no occurrence of c.2317G>A in individuals affected with POLR2A-related conditions and no experimental evidence demonstrating its impact on protein function have been reported. ClinVar contains an entry for this variant (Variation ID: 3233554). Based on the evidence outlined above, the variant was classified as uncertain significance.